The following is an entry in ClinVar:

Conditions:
Long QT syndrome 5 (LQT5). Identifiers: Orphanet 101016, Orphanet 768, MedGen C1867904, MONDO:0013372, OMIM 613695.

Submission:

Roden Lab, Vanderbilt University Medical Center
No classification provided (evidence only). Condition: Long QT syndrome 5. Review status: no classification provided. Collection method: in vitro. Allele origin: not applicable. Functional consequence: Effect on ion channel function.
ClinVar note: "not provided" was previously submitted as the classification for the variant. However, the classification appeared to be based only on an observation of functional data so it was converted to no classification on 2025-07-30.

NM_000219.6(KCNE1):c.3G>T (p.Met1Ile)

Gene: KCNE1 (potassium voltage-gated channel subfamily E regulatory subunit 1; minus strand). Cytogenetic location: 21q22.12.
Variant type: single nucleotide variant.
Coding change: c.3G>T on transcript NM_000219.6 (MANE Select); coding-DNA position 3, G replaced by T.
Protein change: p.Met1Ile; changes the start codon (methionine 1).
Molecular consequence: missense variant, initiator codon variant.
Genome position (GRCh38, 1-based): chr21:34,449,632, C>A on the plus strand (G>T on the coding strand, the complement: KCNE1 is on the minus strand). VCF-style: chr21-34449632-C-A. GRCh37 (hg19) VCF-style: chr21-35821930-C-A.
Other names: c.3G>T, p.Met1Ile (NM_001127668.4, NM_001127669.4, NM_001127670.4 and 4 more transcripts); short protein forms M1I.
Identifiers: ClinVar variation 3374597 (VCV003374597.2).